The following is an entry in ClinVar:

NM_001085487.3(MYSM1):c.420G>A (p.Trp140Ter)

Gene: MYSM1 (Myb like, SWIRM and MPN domains 1; minus strand). Cytogenetic location: 1p32.1.
Variant type: single nucleotide variant.
Coding change: c.420G>A on transcript NM_001085487.3 (MANE Select); coding-DNA position 420, G replaced by A.
Protein change: p.Trp140Ter; replaces tryptophan 140 with a stop codon.
Molecular consequence: nonsense.
Genome position (GRCh38, 1-based): chr1:58,685,231, C>T on the plus strand (G>A on the coding strand, the complement: MYSM1 is on the minus strand). VCF-style: chr1-58685231-C-T. GRCh37 (hg19) VCF-style: chr1-59150903-C-T.
Other names: short protein forms W140*.
Identifiers: ClinVar variation 1451828 (VCV001451828.6), dbSNP rs2100658801, ClinGen allele CA340531982.

ClinVar aggregate classification (germline): Pathogenic (1 of 4 stars; one submission).

Submission:

Labcorp Genetics (formerly Invitae), Labcorp
Classification: Pathogenic. Last evaluated: 2022-06-27. Review status: criteria provided, single submitter. Criteria: Invitae Variant Classification Sherloc (09022015). Collection method: clinical testing. Allele origin: germline.
Comment: For these reasons, this variant has been classified as Pathogenic. This variant has not been reported in the literature in individuals affected with MYSM1-related conditions. This variant is not present in population databases (gnomAD no frequency). This sequence change creates a premature translational stop signal (p.Trp140*) in the MYSM1 gene. It is expected to result in an absent or disrupted protein product. Loss-of-function variants in MYSM1 are known to be pathogenic (PMID: 24288411, 28115216).

Literature cited by the submitters: PubMed 24288411; PubMed 28115216.